The following is an entry in ClinVar:

NM_002049.4(GATA1):c.1066G>A (p.Gly356Ser)

Gene: GATA1 (GATA binding protein 1; plus strand). Cytogenetic location: Xp11.23.
Variant type: single nucleotide variant.
Coding change: c.1066G>A on transcript NM_002049.4 (MANE Select); coding-DNA position 1066, G replaced by A.
Protein change: p.Gly356Ser; replaces glycine 356 with serine.
Molecular consequence: missense variant.
Genome position (GRCh38, 1-based): chrX:48,793,988, G>A. VCF-style: chrX-48793988-G-A. GRCh37 (hg19) VCF-style: chrX-48652395-G-A.
Other names: short protein forms G356S.
Identifiers: ClinVar variation 2933444 (VCV002933444.3), dbSNP rs1557020608, ClinGen allele CA412871870.
Genomic context (GRCh38, chrX:48,793,988, plus strand): 5'-GTGGTGGCTGGGGGCAGCGGTAGCGGGAATTGTGGGGAGGTGGCTTCAGGCCTGACACTG[G>A]GCCCCCCAGGTACTGCCCATCTCTACCAAGGCCTGGGCCCTGTGGTGCTGTCAGGGCCTG-3'
Protein context (NP_002040.1, residues 346-366): CGEVASGLTL[Gly356Ser]PPGTAHLYQG

ClinVar aggregate classification (germline): Uncertain significance (1 of 4 stars; one submission).

Conditions:
Diamond-Blackfan anemia. Also called: Blackfan Diamond syndrome; Aregenerative anemia chronic congenital; Red cell aplasia, pure hereditary; Congenital hypoplastic anemia; Aase syndrome. Identifiers: Orphanet 124, MedGen C1260899, MeSH D029503, MONDO:0015253, HP:0004810.
GATA binding protein 1 related thrombocytopenia with dyserythropoiesis. Also called: GATA1-Related Cytopenia; GATA1-Related X-Linked Cytopenia. Identifiers: MedGen C1845837, MONDO:0100089.

Allele frequency attached by ClinVar (database versions not stated): gnomAD 0.00001.
gnomAD v4.1: 2 of 1,207,084 alleles (0.00017%); highest among the groups gnomAD compares: Non-Finnish European, 0.00022%; no homozygotes.

Submission:

Labcorp Genetics (formerly Invitae), Labcorp
Classification: Uncertain significance for GATA binding protein 1 related thrombocytopenia with dyserythropoiesis; Diamond-Blackfan anemia. Last evaluated: 2023-04-17. Review status: criteria provided, single submitter. Criteria: Invitae Variant Classification Sherloc (09022015). Collection method: clinical testing. Allele origin: germline.
Comment: This variant has not been reported in the literature in individuals affected with GATA1-related conditions. In summary, the available evidence is currently insufficient to determine the role of this variant in disease. Therefore, it has been classified as a Variant of Uncertain Significance. Advanced modeling of protein sequence and biophysical properties (such as structural, functional, and spatial information, amino acid conservation, physicochemical variation, residue mobility, and thermodynamic stability) performed at Invitae indicates that this missense variant is not expected to disrupt GATA1 protein function. This variant is not present in population databases (gnomAD no frequency). This sequence change replaces glycine, which is neutral and non-polar, with serine, which is neutral and polar, at codon 356 of the GATA1 protein (p.Gly356Ser).